The following is an entry in ClinVar:

ClinVar aggregate classification (germline): Uncertain significance. Review status: criteria provided, multiple submitters, no conflicts (2 of 4 stars). 2 submissions from 2 submitters: Uncertain significance (2). Last evaluated 2025-02-09.

Conditions:
Inborn genetic diseases. Identifiers: MedGen C0950123, MeSH D030342.

Allele frequency attached by ClinVar (database versions not stated): TOPMed 0.00006.

Submissions (2):

Labcorp Genetics (formerly Invitae), Labcorp
Classification: Uncertain significance. Last evaluated: 2025-02-09. Review status: criteria provided, single submitter. Criteria: Invitae Variant Classification Sherloc (09022015). Collection method: clinical testing. Allele origin: germline.
Comment: This sequence change replaces valine, which is neutral and non-polar, with isoleucine, which is neutral and non-polar, at codon 94 of the CTR9 protein (p.Val94Ile). This variant is not present in population databases (gnomAD no frequency). This variant has not been reported in the literature in individuals affected with CTR9-related conditions. ClinVar contains an entry for this variant (Variation ID: 3078714). An algorithm developed to predict the effect of missense changes on protein structure and function (PolyPhen-2) suggests that this variant is likely to be disruptive. In summary, the available evidence is currently insufficient to determine the role of this variant in disease. Therefore, it has been classified as a Variant of Uncertain Significance.

Ambry Genetics
Classification: Uncertain significance for Inborn genetic diseases. Last evaluated: 2023-12-29. Review status: criteria provided, single submitter. Criteria: Ambry Variant Classification Scheme 2023. Collection method: clinical testing. Allele origin: germline.
Comment: The c.280G>A (p.V94I) alteration is located in exon 3 (coding exon 3) of the CTR9 gene. This alteration results from a G to A substitution at nucleotide position 280, causing the valine (V) at amino acid position 94 to be replaced by an isoleucine (I). This variant was not reported in population-based cohorts in the Genome Aggregation Database (gnomAD). This amino acid position is highly conserved in available vertebrate species. This missense alteration is located in a region that has a low rate of benign missense variation (Lek, 2016; Firth, 2009). The in silico prediction for this alteration is inconclusive. Based on insufficient or conflicting evidence, the clinical significance of this alteration remains unclear.

NM_014633.5(CTR9):c.280G>A (p.Val94Ile)

Gene: CTR9 (CTR9 component of Paf1/RNA polymerase II complex; plus strand). Cytogenetic location: 11p15.4.
Variant type: single nucleotide variant.
Coding change: c.280G>A on transcript NM_014633.5 (MANE Select); coding-DNA position 280, G replaced by A.
Protein change: p.Val94Ile; replaces valine 94 with isoleucine.
Molecular consequence: missense variant.
Genome position (GRCh38, 1-based): chr11:10,755,093, G>A. VCF-style: chr11-10755093-G-A. GRCh37 (hg19) VCF-style: chr11-10776640-G-A.
Other names: c.280G>A, p.Val94Ile (NM_001346279.2); short protein forms V94I.
Identifiers: ClinVar variation 3078714 (VCV003078714.2), dbSNP rs901242907, ClinGen allele CA217706531.